The following is an entry in ClinVar:

NM_001033855.3(DCLRE1C):c.1549C>T (p.Gln517Ter)

Gene: DCLRE1C (DNA cross-link repair 1C; minus strand). Cytogenetic location: 10p13.
Variant type: single nucleotide variant.
Coding change: c.1549C>T on transcript NM_001033855.3 (MANE Select); coding-DNA position 1549, C replaced by T.
Protein change: p.Gln517Ter; replaces glutamine 517 with a stop codon.
Molecular consequence: nonsense. On other transcripts: non-coding transcript variant (4).
Genome position (GRCh38, 1-based): chr10:14,908,938, G>A on the plus strand (C>T on the coding strand, the complement: DCLRE1C is on the minus strand). VCF-style: chr10-14908938-G-A. GRCh37 (hg19) VCF-style: chr10-14950937-G-A.
Other names: c.1189C>T, p.Gln397Ter (NM_001033857.3, NM_001033858.3, NM_001289077.2 and 2 more transcripts); c.1204C>T, p.Gln402Ter (NM_001289076.2, NM_001289078.2, NM_001350966.2 and 1 more transcripts); c.1549C>T, p.Gln517Ter (NM_001350965.2); short protein forms Q397*, Q402*, Q517*.
Identifiers: ClinVar variation 2084053 (VCV002084053.4), dbSNP rs2491628823, ClinGen allele CA376075349.

ClinVar aggregate classification (germline): Pathogenic (1 of 4 stars; one submission).

Conditions:
Severe combined immunodeficiency due to DCLRE1C deficiency (RS-SCID). Also called: SCID, AUTOSOMAL RECESSIVE, T CELL-NEGATIVE, B CELL-NEGATIVE, NK CELL-POSITIVE, WITH SENSITIVITY TO IONIZING RADIATION. Identifiers: Orphanet 275, MedGen C1865371, MONDO:0011225, OMIM 602450.

Submission:

Labcorp Genetics (formerly Invitae), Labcorp
Classification: Pathogenic for Athabaskan severe combined immunodeficiency. Last evaluated: 2022-01-15. Review status: criteria provided, single submitter. Criteria: Invitae Variant Classification Sherloc (09022015). Collection method: clinical testing. Allele origin: germline.
Comment: This variant is not present in population databases (gnomAD no frequency). This sequence change creates a premature translational stop signal (p.Gln517*) in the DCLRE1C gene. While this is not anticipated to result in nonsense mediated decay, it is expected to disrupt the last 176 amino acid(s) of the DCLRE1C protein. This variant has not been reported in the literature in individuals affected with DCLRE1C-related conditions. This variant disrupts a region of the DCLRE1C protein in which other variant(s) (p.Thr557Asnfs*21) have been determined to be pathogenic (PMID: 26476407). This suggests that this is a clinically significant region of the protein, and that variants that disrupt it are likely to be disease-causing. For these reasons, this variant has been classified as Pathogenic.

Literature cited by the submitters: PubMed 26476407.